The following is an entry in ClinVar:

ClinVar aggregate classification (germline): Uncertain significance (1 of 4 stars; one submission).

Conditions:
Familial cancer of breast. Also called: hereditary breast carcinoma; Hereditary breast cancer; BREAST CANCER, FAMILIAL. Identifiers: Orphanet 227535, MedGen C0346153, MONDO:0016419, OMIM 114480. Disease mechanism: loss of function.

Submission:

Labcorp Genetics (formerly Invitae), Labcorp
Classification: Uncertain significance for Familial cancer of breast. Last evaluated: 2020-08-22. Review status: criteria provided, single submitter. Criteria: Invitae Variant Classification Sherloc (09022015). Collection method: clinical testing. Allele origin: germline.
Comment: This sequence change replaces alanine with glycine at codon 721 of the BARD1 protein (p.Ala721Gly). The alanine residue is highly conserved and there is a small physicochemical difference between alanine and glycine. This variant is not present in population databases (ExAC no frequency). This variant has not been reported in the literature in individuals with BARD1-related conditions. Algorithms developed to predict the effect of missense changes on protein structure and function (SIFT, PolyPhen-2, Align-GVGD) all suggest that this variant is likely to be disruptive, but these predictions have not been confirmed by published functional studies and their clinical significance is uncertain. In summary, the available evidence is currently insufficient to determine the role of this variant in disease. Therefore, it has been classified as a Variant of Uncertain Significance.

NM_000465.4(BARD1):c.2162C>G (p.Ala721Gly)

Gene: BARD1 (BRCA1 associated RING domain 1; minus strand). Cytogenetic location: 2q35.
Variant type: single nucleotide variant.
Coding change: c.2162C>G on transcript NM_000465.4 (MANE Select); coding-DNA position 2162, C replaced by G.
Protein change: p.Ala721Gly; replaces alanine 721 with glycine.
Molecular consequence: missense variant. On other transcripts: non-coding transcript variant (3).
Genome position (GRCh38, 1-based): chr2:214,728,848, G>C on the plus strand (C>G on the coding strand, the complement: BARD1 is on the minus strand). VCF-style: chr2-214728848-G-C. GRCh37 (hg19) VCF-style: chr2-215593572-G-C.
Other names: c.2105C>G, p.Ala702Gly (NM_001282543.2); c.809C>G, p.Ala270Gly (NM_001282545.2); c.752C>G, p.Ala251Gly (NM_001282548.2); c.623C>G, p.Ala208Gly (NM_001282549.2); short protein forms A251G, A208G, A270G, A702G, A721G.
Identifiers: ClinVar variation 1041704 (VCV001041704.9), dbSNP rs1692212919, ClinGen allele CA350450431.